The following is an entry in ClinVar:

ClinVar aggregate classification (germline): Uncertain significance. Review status: reviewed by expert panel (3 of 4 stars). 3 submissions from 3 submitters: Uncertain significance (1). 2 of the submissions do not count toward it. Last evaluated 2024-11-13.

Conditions:
Hereditary thrombocytopenia and hematologic cancer predisposition syndrome. Identifiers: Orphanet 71290, MedGen CN281654, MONDO:0011071.
Hereditary thrombocytopenia and hematological cancer predisposition syndrome associated with RUNX1. Also called: RUNX1 Familial Platelet Disorder with Associated Myeloid Malignancies; PLATELET DISORDER, ASPIRIN-LIKE; Familial Platelet Disorder with Propensity to Acute Myelogenous Leukemia; Familial thrombocytopenia with propensity to acute myelogenous leukemia. Identifiers: Orphanet 71290, MedGen C1832388, MeSH C563324, MONDO:0100083, OMIM 601399.
Inborn genetic diseases. Identifiers: MedGen C0950123, MeSH D030342.

Allele frequency attached by ClinVar (database versions not stated): TOPMed below 0.00001; gnomAD 0.00001.
gnomAD v4.1: 1 of 1,540,052 alleles (0.000065%); highest among the groups gnomAD compares: Non-Finnish European, 0.000087%; no homozygotes.

Submissions (3):

ClinGen Myeloid Malignancy Variant Curation Expert Panel
Classification: Uncertain significance for Hereditary thrombocytopenia and hematologic cancer predisposition syndrome. Last evaluated: 2024-11-13. Review status: reviewed by expert panel. Criteria: ClinGen MyeloMalig ACMG Specifications v2. Collection method: curation. Allele origin: germline. Inheritance: Autosomal dominant inheritance.
Comment: NM_001754.5(RUNX1):c.1354G>C (p.Val452Leu) is a missense variant which has a REVEL score < 0.50 (0.044), and a SpliceAI score ≤ 0.20 (0.0) (BP4). In summary, the clinical significance of this variant is uncertain. ACMG/AMP criteria applied, as specified by the Myeloid Malignancy Variant Curation Expert Panel for RUNX1: BP4.

Ambry Genetics
Classification: Uncertain significance for Inborn genetic diseases. Last evaluated: 2025-01-17. Review status: criteria provided, single submitter. Criteria: Ambry Variant Classification Scheme 2023. Collection method: clinical testing. Allele origin: germline. Not counted in ClinVar's aggregate classification.
Comment: The p.V452L variant (also known as c.1354G>C), located in coding exon 8 of the RUNX1 gene, results from a G to C substitution at nucleotide position 1354. The valine at codon 452 is replaced by leucine, an amino acid with highly similar properties. This amino acid position is conserved. In addition, this alteration is predicted to be tolerated by in silico analysis. Based on the available evidence, the clinical significance of this variant remains unclear.

Labcorp Genetics (formerly Invitae), Labcorp
Classification: Uncertain significance for Hereditary thrombocytopenia and hematological cancer predisposition syndrome associated with RUNX1. Last evaluated: 2023-03-18. Review status: criteria provided, single submitter. Criteria: Invitae Variant Classification Sherloc (09022015). Collection method: clinical testing. Allele origin: germline. Not counted in ClinVar's aggregate classification.
Comment: This sequence change replaces valine, which is neutral and non-polar, with leucine, which is neutral and non-polar, at codon 452 of the RUNX1 protein (p.Val452Leu). This variant is not present in population databases (gnomAD no frequency). This variant has not been reported in the literature in individuals affected with RUNX1-related conditions. ClinVar contains an entry for this variant (Variation ID: 856836). Advanced modeling of protein sequence and biophysical properties (such as structural, functional, and spatial information, amino acid conservation, physicochemical variation, residue mobility, and thermodynamic stability) performed at Invitae indicates that this missense variant is not expected to disrupt RUNX1 protein function. In summary, the available evidence is currently insufficient to determine the role of this variant in disease. Therefore, it has been classified as a Variant of Uncertain Significance.

NM_001754.5(RUNX1):c.1354G>C (p.Val452Leu)

Gene: RUNX1 (RUNX family transcription factor 1; minus strand). Cytogenetic location: 21q22.12.
Variant type: single nucleotide variant.
Coding change: c.1354G>C on transcript NM_001754.5 (MANE Select); coding-DNA position 1354, G replaced by C.
Protein change: p.Val452Leu; replaces valine 452 with leucine.
Molecular consequence: missense variant.
Genome position (GRCh38, 1-based): chr21:34,792,224, C>G on the plus strand (G>C on the coding strand, the complement: RUNX1 is on the minus strand). VCF-style: chr21-34792224-C-G. GRCh37 (hg19) VCF-style: chr21-36164521-C-G.
Other names: NM_001754.5(RUNX1):c.1354G>C; p.Val452Leu; c.1273G>C, p.Val425Leu (NM_001001890.3); short protein forms V452L, V425L.
Identifiers: ClinVar variation 856836 (VCV000856836.9), dbSNP rs916623598, ClinGen allele CA410147171.